The following is an entry in ClinVar:

NM_001242957.3(MAK):c.1316+2T>A

Gene: MAK (male germ cell associated kinase; minus strand). Cytogenetic location: 6p24.2.
Variant type: single nucleotide variant.
Coding change: c.1316+2T>A on transcript NM_001242957.3 (MANE Select); the canonical splice donor site of the intron after coding-DNA position 1316, T replaced by A.
Molecular consequence: splice donor variant.
Genome position (GRCh38, 1-based): chr6:10,791,673, A>T on the plus strand (T>A on the coding strand, the complement: MAK is on the minus strand). VCF-style: chr6-10791673-A-T. GRCh37 (hg19) VCF-style: chr6-10791906-A-T.
Other names: c.1214+2T>A (NM_001377262.1); c.1316+2T>A (NM_005906.6, NM_001242385.2).
Identifiers: ClinVar variation 2802228 (VCV002802228.3), dbSNP rs1453700499, ClinGen allele CA362718166.
Genomic context (GRCh38, chr6:10,791,673, plus strand): 5'-TAATGAGTAAAATAAAGTTAATGCATGGCAAAAATATTTTTCTGAGGAATTTGAAATCTT[A>T]CCGAAATGGAGAATCTTTTTTCCTTTTTTCTTTAAAAACACCCATGCTTGGCTTCTTGGA-3'

ClinVar aggregate classification (germline): Likely pathogenic (1 of 4 stars; one submission).

Allele frequency attached by ClinVar (database versions not stated): TOPMed below 0.00001; gnomAD 0.00001.
gnomAD v4.1: 1 of 1,611,910 alleles (0.000062%); highest among the groups gnomAD compares: Non-Finnish European, 0.000085%; no homozygotes.

Submission:

Labcorp Genetics (formerly Invitae), Labcorp
Classification: Likely pathogenic. Last evaluated: 2024-01-31. Review status: criteria provided, single submitter. Criteria: Invitae Variant Classification Sherloc (09022015). Collection method: clinical testing. Allele origin: germline.
Comment: This sequence change affects a donor splice site in intron 9 of the MAK gene. It is expected to disrupt RNA splicing. Variants that disrupt the donor or acceptor splice site typically lead to a loss of protein function (PMID: 16199547), and loss-of-function variants in MAK are known to be pathogenic (PMID: 21148103, 21825139, 24938718, 29781741). This variant is present in population databases (no rsID available, gnomAD 0.007%). This variant has not been reported in the literature in individuals affected with MAK-related conditions. Algorithms developed to predict the effect of sequence changes on RNA splicing suggest that this variant may disrupt the consensus splice site. In summary, the currently available evidence indicates that the variant is pathogenic, but additional data are needed to prove that conclusively. Therefore, this variant has been classified as Likely Pathogenic.

Literature cited by the submitters: PubMed 16199547; PubMed 21148103; PubMed 21825139; PubMed 24938718; PubMed 29781741.